The following is an entry in ClinVar:

ClinVar aggregate classification (germline): Uncertain significance. Review status: criteria provided, multiple submitters, no conflicts (2 of 4 stars). 2 submissions from 2 submitters: Uncertain significance (2). Last evaluated 2025-06-22.

Conditions:
Transcobalamin I deficiency (TCN1D). Also called: TCN1 DEFICIENCY; COBALAMIN PSEUDODEFICIENCY DUE TO TRANSCOBALAMIN DEFICIENCY; COBALAMIN R BINDER PROTEIN DEFICIENCY. Identifiers: Orphanet 2967, MedGen C0342700, MONDO:0008659, OMIM 193090.

Allele frequency attached by ClinVar (database versions not stated): ExAC 0.00003; gnomAD exomes 0.00007 and 0.00014; gnomAD 0.00011; TOPMed 0.00012; ESP Exome Variant Server 0.00023.
gnomAD v4.1: 212 of 1,613,654 alleles (0.013%); highest among the groups gnomAD compares: Non-Finnish European, 0.017%; no homozygotes.

Submissions (2):

Ambry Genetics
Classification: Uncertain significance. Last evaluated: 2025-06-22. Review status: criteria provided, single submitter. Criteria: Ambry Variant Classification Scheme 2023. Collection method: clinical testing. Allele origin: germline.

Labcorp Genetics (formerly Invitae), Labcorp
Classification: Uncertain significance for Transcobalamin I deficiency. Last evaluated: 2022-07-12. Review status: criteria provided, single submitter. Criteria: Invitae Variant Classification Sherloc (09022015). Collection method: clinical testing. Allele origin: germline.
Comment: This sequence change replaces threonine, which is neutral and polar, with alanine, which is neutral and non-polar, at codon 244 of the TCN1 protein (p.Thr244Ala). This variant is present in population databases (rs147942868, gnomAD 0.01%). This variant has not been reported in the literature in individuals affected with TCN1-related conditions. ClinVar contains an entry for this variant (Variation ID: 1511533). Algorithms developed to predict the effect of missense changes on protein structure and function are either unavailable or do not agree on the potential impact of this missense change (SIFT: "Deleterious"; PolyPhen-2: "Probably Damaging"; Align-GVGD: "Class C0"). In summary, the available evidence is currently insufficient to determine the role of this variant in disease. Therefore, it has been classified as a Variant of Uncertain Significance.

NM_001062.4(TCN1):c.730A>G (p.Thr244Ala)

Gene: TCN1 (transcobalamin 1; minus strand). Cytogenetic location: 11q12.1.
Variant type: single nucleotide variant.
Coding change: c.730A>G on transcript NM_001062.4 (MANE Select); coding-DNA position 730, A replaced by G.
Protein change: p.Thr244Ala; replaces threonine 244 with alanine.
Molecular consequence: missense variant.
Genome position (GRCh38, 1-based): chr11:59,859,094, T>C on the plus strand (A>G on the coding strand, the complement: TCN1 is on the minus strand). VCF-style: chr11-59859094-T-C. GRCh37 (hg19) VCF-style: chr11-59626567-T-C.
Other names: c.730A>G (NM_001062.3); short protein forms T244A.
Identifiers: ClinVar variation 1511533 (VCV001511533.4), dbSNP rs147942868, ClinGen allele CA6021932.
Genomic context (GRCh38, chr11:59,859,094, plus strand): 5'-AGAAGACTCCCTTCTCTGCCTCCTGTTTCACCCTCTGACTTACCTGCATGGCTTCTCCTG[T>C]GCTAAATGTGTTTCCAATGAGACCATTTTCTTTTTTCTCAGACAGAATCTTTTCTACCAG-3'
Protein context (NP_001053.2, residues 234-254): ENGLIGNTFS[Thr244Ala]GEAMQALFVS